The following is an entry in ClinVar:

ClinVar aggregate classification (germline): Uncertain significance (1 of 4 stars; one submission).

Submission:

Labcorp Genetics (formerly Invitae), Labcorp
Classification: Uncertain significance. Last evaluated: 2022-07-05. Review status: criteria provided, single submitter. Criteria: Invitae Variant Classification Sherloc (09022015). Collection method: clinical testing. Allele origin: germline.
Comment: ClinVar contains an entry for this variant (Variation ID: 1462583). This sequence change replaces threonine, which is neutral and polar, with isoleucine, which is neutral and non-polar, at codon 527 of the LOXL3 protein (p.Thr527Ile). This variant is not present in population databases (gnomAD no frequency). This variant has not been reported in the literature in individuals affected with LOXL3-related conditions. Algorithms developed to predict the effect of missense changes on protein structure and function are either unavailable or do not agree on the potential impact of this missense change (SIFT: "Deleterious"; PolyPhen-2: "Benign"; Align-GVGD: "Class C15"). In summary, the available evidence is currently insufficient to determine the role of this variant in disease. Therefore, it has been classified as a Variant of Uncertain Significance.

NM_032603.5(LOXL3):c.1580C>T (p.Thr527Ile)

Gene: LOXL3 (lysyl oxidase like 3; minus strand). Cytogenetic location: 2p13.1.
Variant type: single nucleotide variant.
Coding change: c.1580C>T on transcript NM_032603.5 (MANE Select); coding-DNA position 1580, C replaced by T.
Protein change: p.Thr527Ile; replaces threonine 527 with isoleucine.
Molecular consequence: missense variant.
Genome position (GRCh38, 1-based): chr2:74,534,774, G>A on the plus strand (C>T on the coding strand, the complement: LOXL3 is on the minus strand). VCF-style: chr2-74534774-G-A. GRCh37 (hg19) VCF-style: chr2-74761901-G-A.
Other names: c.1145C>T, p.Thr382Ile (NM_001289164.3); c.497C>T, p.Thr166Ile (NM_001289165.2); short protein forms T166I, T382I, T527I.
Identifiers: ClinVar variation 1462583 (VCV001462583.6), dbSNP rs1675896120, ClinGen allele CA347386681.
Genomic context (GRCh38, chr2:74,534,774, plus strand): 5'-CGGTCTTCGATGTAGGCGGTCTCCTGCACCAGTGCTGAGTGCAGCAACAGATCTGATGCA[G>A]CTGCACCAAGAAAGGAAGGGGGTGTTAGAAGTCACTGCTGACTTCACAGAGAGGGGTGCT-3'
Protein context (NP_115992.1, residues 517-537): RFTAGVICSE[Thr527Ile]ASDLLLHSAL